The following is an entry in ClinVar:

NM_020719.3(PRR12):c.1046C>T (p.Ala349Val)

Gene: PRR12 (proline rich 12; plus strand). Cytogenetic location: 19q13.33.
Variant type: single nucleotide variant.
Coding change: c.1046C>T on transcript NM_020719.3 (MANE Select); coding-DNA position 1046, C replaced by T.
Protein change: p.Ala349Val; replaces alanine 349 with valine.
Molecular consequence: missense variant.
Genome position (GRCh38, 1-based): chr19:49,595,381, C>T. VCF-style: chr19-49595381-C-T. GRCh37 (hg19) VCF-style: chr19-50098638-C-T.
Other names: short protein forms A349V.
Identifiers: ClinVar variation 3358087 (VCV003358087.1).
Genomic context (GRCh38, chr19:49,595,381, plus strand): 5'-TGGCCTGCAGCCCCCTGGGTGGTGGGGAGCCCTCCCCGGGTGCTGGGGAGCCTAGCAAGG[C>T]TGGTCCCAGCGGAGCCACGGCTGGGGCATCTGGCCGGGCCACGGGCCCTGAGGCAGCAGG-3'
Protein context (NP_065770.1, residues 339-359): PSPGAGEPSK[Ala349Val]GPSGATAGAS

ClinVar aggregate classification (germline): Uncertain significance (0 of 4 stars; one submission).

Conditions:
PRR12-related disorder. Also called: PRR12-related condition.

gnomAD v4.1: 11 of 1,541,064 alleles (0.00071%); highest among the groups gnomAD compares: Non-Finnish European, 0.00087%; no homozygotes.

Submission:

PreventionGenetics, part of Exact Sciences
Classification: Uncertain significance for PRR12-related condition. Last evaluated: 2024-08-21. Review status: no assertion criteria provided. Collection method: clinical testing. Allele origin: germline.
Comment: The PRR12 c.1046C>T variant is predicted to result in the amino acid substitution p.Ala349Val. To our knowledge, this variant has not been reported in the literature or in a large population database, indicating this variant is rare. At this time, the clinical significance of this variant is uncertain due to the absence of conclusive functional and genetic evidence.